The following is an entry in ClinVar:

ClinVar aggregate classification (germline): Uncertain significance (1 of 4 stars; one submission).

Submission:

Labcorp Genetics (formerly Invitae), Labcorp
Classification: Uncertain significance. Last evaluated: 2022-07-11. Review status: criteria provided, single submitter. Criteria: Invitae Variant Classification Sherloc (09022015). Collection method: clinical testing. Allele origin: germline.
Comment: This sequence change falls in intron 2 of the PRPF31 gene. It does not directly change the encoded amino acid sequence of the PRPF31 protein. It affects a nucleotide within the consensus splice site. In summary, the available evidence is currently insufficient to determine the role of this variant in disease. Therefore, it has been classified as a Variant of Uncertain Significance. Variants that disrupt the consensus splice site are a relatively common cause of aberrant splicing (PMID: 17576681, 9536098). Algorithms developed to predict the effect of sequence changes on RNA splicing suggest that this variant may disrupt the consensus splice site. This variant has been observed in individual(s) with retinitis pigmentosa (Invitae). This variant is not present in population databases (gnomAD no frequency).

Literature cited by the submitters: PubMed 17576681; PubMed 9536098.

NM_015629.4(PRPF31):c.177+3_177+17del

Gene: PRPF31 (pre-mRNA processing factor 31; plus strand). Cytogenetic location: 19q13.42.
Variant type: Deletion.
Coding change: c.177+3_177+17del on transcript NM_015629.4 (MANE Select); bases 3 to 17 of the intron after coding-DNA position 177, 15 bases deleted (AAGAGGACAAGAGGT).
Molecular consequence: splice donor variant.
Genome position (GRCh38, 1-based): chr19:54,118,458-54,118,472, AAGAGGACAAGAGGT deleted; deleting any 15 consecutive bases within chr19:54,118,455-54,118,472 gives the same sequence; the c. name uses the placement nearest the transcript's 3' end. VCF-style (leftmost placement, unchanged base first): chr19-54118454-TGGTAAGAGGACAAGA-T. GRCh37 (hg19) VCF-style: chr19-54621834-TGGTAAGAGGACAAGA-T.
Identifiers: ClinVar variation 2016071 (VCV002016071.4), dbSNP rs2516081199, ClinGen allele CA2580097765.